The following is an entry in ClinVar:

NM_001430.5(EPAS1):c.1528G>A (p.Glu510Lys)

Gene: EPAS1 (endothelial PAS domain protein 1; plus strand). Cytogenetic location: 2p21.
Variant type: single nucleotide variant.
Coding change: c.1528G>A on transcript NM_001430.5 (MANE Select); coding-DNA position 1528, G replaced by A.
Protein change: p.Glu510Lys; replaces glutamic acid 510 with lysine.
Molecular consequence: missense variant.
Genome position (GRCh38, 1-based): chr2:46,378,741, G>A. VCF-style: chr2-46378741-G-A. GRCh37 (hg19) VCF-style: chr2-46605880-G-A.
Other names: short protein forms E510K.
Identifiers: ClinVar variation 1774555 (VCV001774555.2), dbSNP rs780163748, ClinGen allele CA1645020.

ClinVar aggregate classification (germline): Uncertain significance (1 of 4 stars; one submission).

Conditions:
Inborn genetic diseases. Identifiers: MedGen C0950123, MeSH D030342.

Allele frequency attached by ClinVar (database versions not stated): gnomAD exomes 0.00001; ExAC 0.00002.
gnomAD v4.1: 13 of 1,614,096 alleles (0.00081%); highest among the groups gnomAD compares: South Asian, 0.013%; no homozygotes.

Submission:

Ambry Genetics
Classification: Uncertain significance for Inborn genetic diseases. Last evaluated: 2022-05-11. Review status: criteria provided, single submitter. Criteria: Ambry Variant Classification Scheme 2023. Collection method: clinical testing. Allele origin: germline.
Comment: The p.E510K variant (also known as c.1528G>A), located in coding exon 11 of the EPAS1 gene, results from a G to A substitution at nucleotide position 1528. The glutamic acid at codon 510 is replaced by lysine, an amino acid with similar properties. This amino acid position is conserved. In addition, this alteration is predicted to be tolerated by in silico analysis. Since supporting evidence is limited at this time, the clinical significance of this alteration remains unclear.